The following is an entry in ClinVar:

NM_020719.3(PRR12):c.2315A>T (p.Gln772Leu)

Gene: PRR12 (proline rich 12; plus strand). Cytogenetic location: 19q13.33.
Variant type: single nucleotide variant.
Coding change: c.2315A>T on transcript NM_020719.3 (MANE Select); coding-DNA position 2315, A replaced by T.
Protein change: p.Gln772Leu; replaces glutamine 772 with leucine.
Molecular consequence: missense variant.
Genome position (GRCh38, 1-based): chr19:49,596,650, A>T. VCF-style: chr19-49596650-A-T. GRCh37 (hg19) VCF-style: chr19-50099907-A-T.
Other names: short protein forms Q772L.
Identifiers: ClinVar variation 732547 (VCV000732547.17), dbSNP rs201499347, ClinGen allele CA9578075.

ClinVar aggregate classification (germline): Benign/Likely benign. Review status: criteria provided, multiple submitters, no conflicts (2 of 4 stars). 4 submissions from 4 submitters: Benign (1); Likely benign (2). 1 of the submissions does not count toward it. Last evaluated 2025-11-01.

Conditions:
PRR12-related disorder. Also called: PRR12-related condition.

Allele frequency attached by ClinVar (database versions not stated): 1000 Genomes Project 30x 0.00078; 1000 Genomes Project 0.00080; gnomAD exomes 0.00201 and 0.00450; ExAC 0.00222; gnomAD 0.00226 and 0.00235; TOPMed 0.00236; ESP Exome Variant Server 0.00276.

Submissions (4):

CeGaT Center for Human Genetics Tuebingen
Classification: Benign. Last evaluated: 2025-11-01. Review status: criteria provided, single submitter. Criteria: CeGaT Center For Human Genetics Tuebingen Variant Classification Criteria Version 2. Collection method: clinical testing. Allele origin: germline. Affected: yes. Observed: 5 variant alleles.
Comment: PRR12: BS1, BS2

Blueprint Genetics
Classification: Likely benign. Last evaluated: 2024-11-19. Review status: criteria provided, single submitter. Criteria: ACMG Guidelines, 2015. Collection method: clinical testing. Allele origin: germline.

Labcorp Genetics (formerly Invitae), Labcorp
Classification: Likely benign. Last evaluated: 2019-12-31. Review status: criteria provided, single submitter. Criteria: Invitae Variant Classification Sherloc (09022015). Collection method: clinical testing. Allele origin: germline.

PreventionGenetics, part of Exact Sciences
Classification: Likely benign for PRR12-related condition. Last evaluated: 2023-12-21. Review status: no assertion criteria provided. Collection method: clinical testing. Allele origin: germline. Not counted in ClinVar's aggregate classification.
Comment: This variant is classified as likely benign based on ACMG/AMP sequence variant interpretation guidelines (Richards et al. 2015 PMID: 25741868, with internal and published modifications).